The following is an entry in ClinVar:

NM_002968.3(SALL1):c.2643A>C (p.Leu881=)

Gene: SALL1 (spalt like transcription factor 1; minus strand). Cytogenetic location: 16q12.1.
Variant type: single nucleotide variant.
Coding change: c.2643A>C on transcript NM_002968.3 (MANE Select); coding-DNA position 2643, A replaced by C.
Protein change: p.Leu881=; no amino-acid change (leucine 881 retained).
Molecular consequence: synonymous variant.
Genome position (GRCh38, 1-based): chr16:51,139,579, T>G on the plus strand (A>C on the coding strand, the complement: SALL1 is on the minus strand). VCF-style: chr16-51139579-T-G. GRCh37 (hg19) VCF-style: chr16-51173490-T-G.
Other names: c.2352A>C, p.Leu784= (NM_001127892.2).
Identifiers: ClinVar variation 3032249 (VCV003032249.2), dbSNP rs1239088376, ClinGen allele CA495780294.

ClinVar aggregate classification (germline): Likely benign (0 of 4 stars; one submission).

Conditions:
SALL1-related disorder. Also called: SALL1-related condition.

Submission:

PreventionGenetics, part of Exact Sciences
Classification: Likely benign for SALL1-related condition. Last evaluated: 2022-09-16. Review status: no assertion criteria provided. Collection method: clinical testing. Allele origin: germline.
Comment: This variant is classified as likely benign based on ACMG/AMP sequence variant interpretation guidelines (Richards et al. 2015 PMID: 25741868, with internal and published modifications).